The following is an entry in ClinVar:

ClinVar aggregate classification (germline): Uncertain significance (1 of 4 stars; one submission).

Conditions:
Hereditary cancer-predisposing syndrome. Also called: Hereditary neoplastic syndrome; Neoplastic Syndromes, Hereditary; Tumor predisposition; Hereditary Cancer Syndrome. Identifiers: Orphanet 140162, MedGen C0027672, MeSH D009386, MONDO:0015356.

gnomAD v4.1: 4 of 1,561,724 alleles (0.00026%); highest among the groups gnomAD compares: African/African-American, 0.0014%; no homozygotes.

Submission:

Ambry Genetics
Classification: Uncertain significance for Hereditary cancer-predisposing syndrome. Last evaluated: 2025-07-15. Review status: criteria provided, single submitter. Criteria: Ambry Variant Classification Scheme 2023. Collection method: clinical testing. Allele origin: germline.
Comment: The c.2520G>C variant (also known as p.G840G), located in coding exon 24 of the RB1 gene, results from a G to C substitution at nucleotide position 2520. This nucleotide substitution does not change the Glycine at codon 840. However, this change occurs in the last base pair of coding exon 24, which makes it likely to have some effect on normal mRNA splicing. This nucleotide position is well conserved in available vertebrate species. In silico splice site analysis predicts that this alteration may weaken the native splice donor site; however, direct evidence is insufficient at this time (Ambry internal data). Based on the available evidence, the clinical significance of this variant remains unclear.

NM_000321.3(RB1):c.2520G>C (p.Gly840=)

Gene: RB1 (RB transcriptional corepressor 1; plus strand). Cytogenetic location: 13q14.2.
Variant type: single nucleotide variant.
Coding change: c.2520G>C on transcript NM_000321.3 (MANE Select); coding-DNA position 2520, G replaced by C.
Protein change: p.Gly840=; no amino-acid change (glycine 840 retained).
Molecular consequence: synonymous variant.
Genome position (GRCh38, 1-based): chr13:48,473,390, G>C. VCF-style: chr13-48473390-G-C. GRCh37 (hg19) VCF-style: chr13-49047526-G-C.
Other names: c.2520G>C, p.Gly840= (NM_001407165.1).
Identifiers: ClinVar variation 4151165 (VCV004151165.1).